The following is an entry in ClinVar:

ClinVar aggregate classification (germline): Uncertain significance (1 of 4 stars; one submission).

gnomAD v4.1: 6 of 1,592,932 alleles (0.00038%); highest among the groups gnomAD compares: Non-Finnish European, 0.00017%; no homozygotes.

Submission:

Dasa
Classification: Uncertain significance. Last evaluated: 2026-05-08. Review status: criteria provided, single submitter. Criteria: DASA Assertion Criteria. Collection method: clinical testing. Allele origin: germline.
Comment: NM_006496.4(GNAI3):c.816C>A (p.Asp272Glu) is a missense variant that results in the substitution of aspartic acid with glutamic acid. This variant is rare in population databases. Computational prediction algorithms are consistent with a deleterious effect. The currently available literature and clinical evidence are not sufficient to establish a definitive association between this variant and the reported condition. Therefore, this variant is classified as a variant of uncertain significance.

NM_006496.4(GNAI3):c.816C>A (p.Asp272Glu)

Gene: GNAI3 (G protein subunit alpha i3; plus strand). Cytogenetic location: 1p13.3.
Variant type: single nucleotide variant.
Coding change: c.816C>A on transcript NM_006496.4 (MANE Select); coding-DNA position 816, C replaced by A.
Protein change: p.Asp272Glu; replaces aspartic acid 272 with glutamic acid.
Molecular consequence: missense variant.
Genome position (GRCh38, 1-based): chr1:109,586,824, C>A. VCF-style: chr1-109586824-C-A. GRCh37 (hg19) VCF-style: chr1-110129446-C-A.
Other names: short protein forms D272E.
Identifiers: ClinVar variation 5020593 (VCV005020593.1).